The following is an entry in ClinVar:

ClinVar aggregate classification (germline): Uncertain significance. Review status: criteria provided, multiple submitters, no conflicts (2 of 4 stars). 2 submissions from 2 submitters: Uncertain significance (2). Last evaluated 2026-02-18.

Conditions:
Inborn genetic diseases. Identifiers: MedGen C0950123, MeSH D030342.

Allele frequency attached by ClinVar (database versions not stated): gnomAD exomes below 0.00001.
gnomAD v4.1: 6 of 1,613,960 alleles (0.00037%); highest among the groups gnomAD compares: South Asian, 0.0066%; no homozygotes.

Submissions (2):

GeneDx
Classification: Uncertain significance. Last evaluated: 2026-02-18. Review status: criteria provided, single submitter. Criteria: GeneDx Variant Classification Process June 2021. Collection method: clinical testing. Allele origin: germline.
Comment: Not observed at significant frequency in large population cohorts (gnomAD); In silico analysis supports that this missense variant has a deleterious effect on protein structure/function; Has not been previously published as pathogenic or benign to our knowledge

Ambry Genetics
Classification: Uncertain significance for Inborn genetic diseases. Last evaluated: 2023-05-26. Review status: criteria provided, single submitter. Criteria: Ambry Variant Classification Scheme 2023. Collection method: clinical testing. Allele origin: germline.

NM_001377142.1(PLCB4):c.2263G>T (p.Val755Phe)

Gene: PLCB4 (phospholipase C beta 4; plus strand). Cytogenetic location: 20p12.2.
Variant type: single nucleotide variant.
Coding change: c.2263G>T on transcript NM_001377142.1 (MANE Select); coding-DNA position 2263, G replaced by T.
Protein change: p.Val755Phe; replaces valine 755 with phenylalanine.
Molecular consequence: missense variant.
Genome position (GRCh38, 1-based): chr20:9,421,405, G>T. VCF-style: chr20-9421405-G-T. GRCh37 (hg19) VCF-style: chr20-9402052-G-T.
Other names: c.2227G>T, p.Val743Phe (NM_000933.4, NM_001377134.2, NM_001377135.1 and 2 more transcripts); c.2263G>T, p.Val755Phe (NM_001172646.2, NM_001377143.1); short protein forms V743F, V755F.
Identifiers: ClinVar variation 2552111 (VCV002552111.3), dbSNP rs1218997055, ClinGen allele CA408213377.